The following is an entry in ClinVar:

ClinVar aggregate classification (germline): Pathogenic (1 of 4 stars; one submission).

Conditions:
Hereditary breast ovarian cancer syndrome. Also called: Hereditary breast and ovarian cancer syndrome (HBOC); Hereditary breast and/or ovarian cancer syndrome; Hereditary breast and ovarian cancer syndrome; Breast and ovarian cancer; BRCA1- and BRCA2-Associated Hereditary Breast and Ovarian Cancer; Hereditary breast and ovarian cancer. Identifiers: Orphanet 145, MedGen C0677776, MeSH D061325, MONDO:0003582. Disease mechanism: loss of function.

Submission:

Labcorp Genetics (formerly Invitae), Labcorp
Classification: Pathogenic for Hereditary breast and ovarian cancer syndrome. Last evaluated: 2019-02-16. Review status: criteria provided, single submitter. Criteria: Invitae Variant Classification Sherloc (09022015). Collection method: clinical testing. Allele origin: germline.
Comment: This sequence change is an Alu-mediated insertion in exon 16 of the BRCA2 mRNA (c.7665_7666insAlu), causing a frameshift at codon 2556 (p.Asn2556fs). The exact size and sequence of the insertion cannot be determined by the current assay. However, the insertion is expected to result in an absent or disrupted protein product. Retrotransposon insertions including LINE1 (L1), Alu, and SVA (SINE-VNTR-Alu) have been reported to be disease-causing through disruption of either a coding region or splice site (PMID: 19763152, 20307669, 22406018). Although this variant has not been reported in the literature, loss-of-function variants in BRCA2 are known to be pathogenic (PMID: 20104584) and other Alu-mediated insertions in BRCA2 have been reported in the literature (PMID: 20232141). For these reasons, this variant has been classified as Pathogenic.

Literature cited by the submitters: PubMed 20307669; PubMed 20104584; PubMed 22406018; PubMed 19763152; PubMed 20232141.

NM_000059.3:c.7665_7666insAlu

Gene: BRCA2 (BRCA2 DNA repair associated; plus strand). Cytogenetic location: 13q13.1.
Variant type: Insertion.
Identifiers: ClinVar variation 870265 (VCV000870265.1).